The following is an entry in ClinVar:

ClinVar aggregate classification (germline): Pathogenic (1 of 4 stars; one submission).

Conditions:
Primary ciliary dyskinesia 3. Identifiers: Orphanet 244, MedGen C1837618, MONDO:0012085, OMIM 608644.

Submission:

Myriad Genetics, Inc.
Classification: Pathogenic for Primary ciliary dyskinesia 3. Last evaluated: 2024-05-14. Review status: criteria provided, single submitter. Criteria: Myriad Autosomal Dominant, Autosomal Recessive and X-Linked Classification Criteria (2023). Collection method: clinical testing. Allele origin: unknown.
Comment: NM_001369.2(DNAH5):c.12621_12622del2ins7(N4207Kfs*41) is expected to be pathogenic in the context of primary ciliary dyskinesia, DNAH5-related. This variant is predicted to lead to an abnormal or absent protein product due to the creation of a premature termination codon in DNAH5, a gene where loss-of-function variants are known to be pathogenic. Please note: this variant was assessed in the context of healthy population screening.

NM_001369.3(DNAH5):c.12621_12622delinsGAGACAG (p.Asn4207fs)

Gene: DNAH5 (dynein axonemal heavy chain 5; minus strand). Cytogenetic location: 5p15.2.
Variant type: Indel.
Coding change: c.12621_12622delinsGAGACAG on transcript NM_001369.3 (MANE Select); coding-DNA positions 12621 to 12622, TA replaced by GAGACAG.
Protein change: p.Asn4207fs; shifts the reading frame from asparagine 4207.
Molecular consequence: frameshift variant.
Genome position (GRCh38, 1-based): chr5:13,717,398-13,717,399, TA replaced by CTGTCTC on the plus strand (TA replaced by GAGACAG on the coding strand, the reverse complement: DNAH5 is on the minus strand). VCF-style: chr5-13717398-TA-CTGTCTC. GRCh37 (hg19) VCF-style: chr5-13717507-TA-CTGTCTC.
Other names: short protein forms N4207fs.
Identifiers: ClinVar variation 5016370 (VCV005016370.1).